The following is an entry in ClinVar:

ClinVar aggregate classification (germline): Pathogenic (1 of 4 stars; one submission).

Conditions:
Primary ciliary dyskinesia. Also called: Ciliary dyskinesia. Identifiers: Orphanet 244, MedGen C0008780, MONDO:0016575, HP:0012265.

Submission:

Labcorp Genetics (formerly Invitae), Labcorp
Classification: Pathogenic for Primary ciliary dyskinesia. Last evaluated: 2022-02-28. Review status: criteria provided, single submitter. Criteria: Invitae Variant Classification Sherloc (09022015). Collection method: clinical testing. Allele origin: germline.
Comment: For these reasons, this variant has been classified as Pathogenic. This variant has not been reported in the literature in individuals affected with DNAH5-related conditions. This variant is not present in population databases (gnomAD no frequency). This sequence change creates a premature translational stop signal (p.Thr4131Asnfs*6) in the DNAH5 gene. It is expected to result in an absent or disrupted protein product. Loss-of-function variants in DNAH5 are known to be pathogenic (PMID: 11788826, 16627867).

Literature cited by the submitters: PubMed 11788826; PubMed 16627867.

NM_001369.3(DNAH5):c.12391dup (p.Thr4131fs)

Gene: DNAH5 (dynein axonemal heavy chain 5; minus strand). Cytogenetic location: 5p15.2.
Variant type: Duplication.
Coding change: c.12391dup on transcript NM_001369.3 (MANE Select); coding-DNA position 12391, one base duplicated (A; older notation c.12391dupA).
Protein change: p.Thr4131fs; shifts the reading frame from threonine 4131.
Molecular consequence: frameshift variant.
Genome position (GRCh38, 1-based): chr5:13,718,990, T duplicated on the plus strand (A on the coding strand, the reverse complement: DNAH5 is on the minus strand). VCF-style (leftmost placement, unchanged base first): chr5-13718989-G-GT. GRCh37 (hg19) VCF-style: chr5-13719098-G-GT.
Other names: short protein forms T4131fs.
Identifiers: ClinVar variation 1934629 (VCV001934629.5), dbSNP rs2546518336, ClinGen allele CA2578269964.